The following is an entry in ClinVar:

ClinVar aggregate classification (germline): Pathogenic (1 of 4 stars; one submission).

Conditions:
Melnick-Needles syndrome (MNS). Also called: MELNICK-NEEDLES OSTEODYSPLASTY; OSTEODYSPLASTY OF MELNICK AND NEEDLES; Melnick-Needles Syndrome (FLNA-MNS). Identifiers: Orphanet 2484, MedGen C0025237, MONDO:0010650, OMIM 309350.
Frontometaphyseal dysplasia (FMD1). Identifiers: Orphanet 1826, MedGen C0265293, MONDO:0015942.
Heterotopia, periventricular, X-linked dominant (PVNH1). Also called: PERIVENTRICULAR NODULAR HETEROTOPIA 1; X-linked periventricular heterotopia; PERIVENTRICULAR NODULAR HETEROTOPIA 4; HETEROTOPIA, PERIVENTRICULAR, 1. Identifiers: Orphanet 2149, Orphanet 82004, MedGen C1848213, MONDO:0010233, OMIM 300049.
Oto-palato-digital syndrome, type II (OPD2). Also called: FACIOPALATOOSSEOUS SYNDROME; OPD II SYNDROME; Otopalatodigital Syndrome, Type II; Otopalatodigital Syndrome Type 2 (FLNA-OPD2). Identifiers: Orphanet 669, Orphanet 90652, MedGen C1844696, MONDO:0010571, OMIM 304120.

Submission:

Labcorp Genetics (formerly Invitae), Labcorp
Classification: Pathogenic for Oto-palato-digital syndrome, type II; Heterotopia, periventricular, X-linked dominant; Frontometaphyseal dysplasia; Melnick-Needles syndrome. Last evaluated: 2024-09-25. Review status: criteria provided, single submitter. Criteria: Invitae Variant Classification Sherloc (09022015). Collection method: clinical testing. Allele origin: germline.
Comment: This sequence change creates a premature translational stop signal (p.His2050Glnfs*7) in the FLNA gene. It is expected to result in an absent or disrupted protein product. Loss-of-function variants in FLNA are known to be pathogenic (PMID: 16684786, 20730588, 26471271). This variant is not present in population databases (gnomAD no frequency). This variant has not been reported in the literature in individuals affected with FLNA-related conditions. For these reasons, this variant has been classified as Pathogenic.

Literature cited by the submitters: PubMed 16684786; PubMed 20730588; PubMed 26471271.

NM_001110556.2(FLNA):c.6173dup (p.His2058fs)

Gene: FLNA (filamin A; minus strand). Cytogenetic location: Xq28.
Variant type: Duplication.
Coding change: c.6173dup on transcript NM_001110556.2 (MANE Select); coding-DNA position 6173, one base duplicated (A; older notation c.6173dupA).
Protein change: p.His2058fs; shifts the reading frame from histidine 2058.
Molecular consequence: frameshift variant.
Genome position (GRCh38, 1-based): chrX:154,353,054, T duplicated on the plus strand (A on the coding strand, the reverse complement: FLNA is on the minus strand). VCF-style (leftmost placement, unchanged base first): chrX-154353053-G-GT. GRCh37 (hg19) VCF-style: chrX-153581421-G-GT.
Other names: c.6149dup, p.His2050fs (NM_001456.4); short protein forms H2050fs, H2058fs.
Identifiers: ClinVar variation 3759237 (VCV003759237.2).